The following is an entry in ClinVar:

ClinVar aggregate classification (germline): Uncertain significance (1 of 4 stars; one submission).

Conditions:
Hereditary cancer-predisposing syndrome. Also called: Tumor predisposition; Hereditary neoplastic syndrome; Hereditary Cancer Syndrome; Neoplastic Syndromes, Hereditary. Identifiers: Orphanet 140162, MedGen C0027672, MeSH D009386, MONDO:0015356.

Submission:

Ambry Genetics
Classification: Uncertain significance for Hereditary cancer-predisposing syndrome. Last evaluated: 2025-05-17. Review status: criteria provided, single submitter. Criteria: Ambry Variant Classification Scheme 2023. Collection method: clinical testing. Allele origin: germline.
Comment: The p.V122L variant (also known as c.364G>C), located in coding exon 3 of the POLD1 gene, results from a G to C substitution at nucleotide position 364. The valine at codon 122 is replaced by leucine, an amino acid with highly similar properties. This amino acid position is well conserved in available vertebrate species. In addition, this alteration is predicted to be tolerated by in silico analysis. Based on the available evidence, the clinical significance of this variant remains unclear.

NM_002691.4(POLD1):c.364G>C (p.Val122Leu)

Gene: POLD1 (DNA polymerase delta 1, catalytic subunit; plus strand). Cytogenetic location: 19q13.33.
Variant type: single nucleotide variant.
Coding change: c.364G>C on transcript NM_002691.4 (MANE Select); coding-DNA position 364, G replaced by C.
Protein change: p.Val122Leu; replaces valine 122 with leucine.
Molecular consequence: missense variant. On other transcripts: non-coding transcript variant (1).
Genome position (GRCh38, 1-based): chr19:50,401,825, G>C. VCF-style: chr19-50401825-G-C. GRCh37 (hg19) VCF-style: chr19-50905082-G-C.
Other names: c.364G>C, p.Val122Leu (NM_001308632.1, NM_001256849.1); short protein forms V122L.
Identifiers: ClinVar variation 3935536 (VCV003935536.1).